The following is an entry in ClinVar:

ClinVar aggregate classification (germline): Uncertain significance. Review status: criteria provided, multiple submitters, no conflicts (2 of 4 stars). 3 submissions from 3 submitters: Uncertain significance (3). Last evaluated 2025-08-13.

Allele frequency attached by ClinVar (database versions not stated): gnomAD exomes 0.00004 and 0.00015; gnomAD 0.00006; TOPMed 0.00009; ExAC 0.00011; 1000 Genomes Project 30x 0.00016; 1000 Genomes Project 0.00020.
gnomAD v4.1: 65 of 1,614,084 alleles (0.004%); highest among the groups gnomAD compares: Admixed American, 0.062%; no homozygotes.

Submissions (3):

Ambry Genetics
Classification: Uncertain significance. Last evaluated: 2025-08-13. Review status: criteria provided, single submitter. Criteria: Ambry Variant Classification Scheme 2023. Collection method: clinical testing. Allele origin: germline.

Labcorp Genetics (formerly Invitae), Labcorp
Classification: Uncertain significance. Last evaluated: 2025-03-29. Review status: criteria provided, single submitter. Criteria: Invitae Variant Classification Sherloc (09022015). Collection method: clinical testing. Allele origin: germline.
Comment: This sequence change replaces valine, which is neutral and non-polar, with isoleucine, which is neutral and non-polar, at codon 362 of the MYH7B protein (p.Val362Ile). This variant is present in population databases (rs572532230, gnomAD 0.09%), and has an allele count higher than expected for a pathogenic variant. This variant has not been reported in the literature in individuals affected with MYH7B-related conditions. ClinVar contains an entry for this variant (Variation ID: 1399372). Invitae Evidence Modeling of protein sequence and biophysical properties (such as structural, functional, and spatial information, amino acid conservation, physicochemical variation, residue mobility, and thermodynamic stability) indicates that this missense variant is not expected to disrupt MYH7B protein function with a negative predictive value of 80%. In summary, the available evidence is currently insufficient to determine the role of this variant in disease. Therefore, it has been classified as a Variant of Uncertain Significance.

Breakthrough Genomics
Classification: Uncertain significance. Review status: criteria provided, single submitter. Criteria: ACMG Guidelines, 2015. Collection method: not provided. Allele origin: germline. Inheritance: Autosomal dominant inheritance. Affected: yes.

NM_020884.7(MYH7B):c.958G>A (p.Val320Ile)

Gene: MYH7B (myosin heavy chain 7B; plus strand). Cytogenetic location: 20q11.22.
Variant type: single nucleotide variant.
Coding change: c.958G>A on transcript NM_020884.7 (MANE Select); coding-DNA position 958, G replaced by A.
Protein change: p.Val320Ile; replaces valine 320 with isoleucine.
Molecular consequence: missense variant.
Genome position (GRCh38, 1-based): chr20:34,986,939, G>A. VCF-style: chr20-34986939-G-A. GRCh37 (hg19) VCF-style: chr20-33574742-G-A.
Other names: c.1084G>A (NM_020884.3); short protein forms V320I.
Identifiers: ClinVar variation 1399372 (VCV001399372.10), dbSNP rs572532230, ClinGen allele CA9826726.